The following is an entry in ClinVar:

NM_001356.5(DDX3X):c.1315+5C>T

Gene: DDX3X (DEAD-box helicase 3 X-linked; plus strand). Cytogenetic location: Xp11.4.
Variant type: single nucleotide variant.
Coding change: c.1315+5C>T on transcript NM_001356.5 (MANE Select); 5 bases into the intron after coding-DNA position 1315, C replaced by T.
Molecular consequence: intron variant.
Genome position (GRCh38, 1-based): chrX:41,345,553, C>T. VCF-style: chrX-41345553-C-T. GRCh37 (hg19) VCF-style: chrX-41204806-C-T.
Other names: c.1315+5C>T (NM_001193416.3); c.1267+5C>T (NM_001193417.3); c.757+5C>T (NM_001363819.1).
Identifiers: ClinVar variation 1208863 (VCV001208863.8), dbSNP rs368731454, ClinGen allele CA10389613.

ClinVar aggregate classification (germline): Conflicting classifications of pathogenicity. Review status: criteria provided, conflicting classifications (1 of 4 stars). 2 submissions from 2 submitters: Uncertain significance (1); Likely benign (1). Last evaluated 2024-07-06.

Allele frequency attached by ClinVar (database versions not stated): ExAC 0.00001; gnomAD exomes 0.00001; gnomAD 0.00002; TOPMed 0.00002; ESP Exome Variant Server 0.00020.
gnomAD v4.1: 15 of 1,188,817 alleles (0.0013%); highest among the groups gnomAD compares: Non-Finnish European, 0.0016%; no homozygotes.

Submissions (2):

Labcorp Genetics (formerly Invitae), Labcorp
Classification: Uncertain significance. Last evaluated: 2024-07-06. Review status: criteria provided, single submitter. Criteria: Invitae Variant Classification Sherloc (09022015). Collection method: clinical testing. Allele origin: germline.
Comment: This sequence change falls in intron 12 of the DDX3X gene. It does not directly change the encoded amino acid sequence of the DDX3X protein. It affects a nucleotide within the consensus splice site. This variant is present in population databases (rs368731454, gnomAD 0.004%), including at least one homozygous and/or hemizygous individual. This variant has not been reported in the literature in individuals affected with DDX3X-related conditions. ClinVar contains an entry for this variant (Variation ID: 1208863). Variants that disrupt the consensus splice site are a relatively common cause of aberrant splicing (PMID: 17576681, 9536098). Algorithms developed to predict the effect of sequence changes on RNA splicing suggest that this variant is not likely to affect RNA splicing. In summary, the available evidence is currently insufficient to determine the role of this variant in disease. Therefore, it has been classified as a Variant of Uncertain Significance.

GeneDx
Classification: Likely benign. Last evaluated: 2019-12-03. Review status: criteria provided, single submitter. Criteria: GeneDx Variant Classification Process June 2021. Collection method: clinical testing. Allele origin: germline. Affected: yes.

Literature cited by the submitters: PubMed 17576681 (cited by Labcorp Genetics (formerly Invitae), Labcorp); PubMed 9536098 (cited by Labcorp Genetics (formerly Invitae), Labcorp).